The following is an entry in ClinVar:

NM_001303256.3(MORC2):c.2941C>T (p.Arg981Cys)

Gene: MORC2 (MORC family CW-type zinc finger 2; minus strand). Cytogenetic location: 22q12.2.
Variant type: single nucleotide variant.
Coding change: c.2941C>T on transcript NM_001303256.3 (MANE Select); coding-DNA position 2941, C replaced by T.
Protein change: p.Arg981Cys; replaces arginine 981 with cysteine.
Molecular consequence: missense variant.
Genome position (GRCh38, 1-based): chr22:30,928,108, G>A on the plus strand (C>T on the coding strand, the complement: MORC2 is on the minus strand). VCF-style: chr22-30928108-G-A. GRCh37 (hg19) VCF-style: chr22-31324095-G-A.
Other names: c.2941C>T, p.Arg981Cys (NM_001303257.2); c.2755C>T, p.Arg919Cys (NM_014941.3); short protein forms R919C, R981C.
Identifiers: ClinVar variation 969575 (VCV000969575.10), dbSNP rs1307310663, ClinGen allele CA411229806.

ClinVar aggregate classification (germline): Uncertain significance (1 of 4 stars; one submission).

Conditions:
Charcot-Marie-Tooth disease axonal type 2Z. Also called: CHARCOT-MARIE-TOOTH DISEASE, AXONAL, AUTOSOMAL DOMINANT, TYPE 2Z; CHARCOT-MARIE-TOOTH NEUROPATHY, TYPE 2Z. Identifiers: Orphanet 466768, MedGen C5569025, MONDO:0014736, OMIM 616688.

Allele frequency attached by ClinVar (database versions not stated): gnomAD exomes below 0.00001 and 0.00001.
gnomAD v4.1: 5 of 1,614,030 alleles (0.00031%); highest among the groups gnomAD compares: East Asian, 0.0022%; no homozygotes.

Submission:

Labcorp Genetics (formerly Invitae), Labcorp
Classification: Uncertain significance for Charcot-Marie-Tooth disease axonal type 2Z. Last evaluated: 2024-12-16. Review status: criteria provided, single submitter. Criteria: Invitae Variant Classification Sherloc (09022015). Collection method: clinical testing. Allele origin: germline.
Comment: This sequence change replaces arginine, which is basic and polar, with cysteine, which is neutral and slightly polar, at codon 981 of the MORC2 protein (p.Arg981Cys). This variant is present in population databases (no rsID available, gnomAD 0.003%). This variant has not been reported in the literature in individuals affected with MORC2-related conditions. ClinVar contains an entry for this variant (Variation ID: 969575). Invitae Evidence Modeling of protein sequence and biophysical properties (such as structural, functional, and spatial information, amino acid conservation, physicochemical variation, residue mobility, and thermodynamic stability) indicates that this missense variant is not expected to disrupt MORC2 protein function with a negative predictive value of 80%. In summary, the available evidence is currently insufficient to determine the role of this variant in disease. Therefore, it has been classified as a Variant of Uncertain Significance.